The following is an entry in ClinVar:

ClinVar aggregate classification (germline): Uncertain significance (1 of 4 stars; one submission).

Conditions:
Pigmentary pallidal degeneration (NBIA1). Also called: Pantothenate Kinase-Associated Neurodegeneration; Neuroaxonal dystrophy, late infantile; Hallervorden-Spatz disease; PKAN NEUROAXONAL DYSTROPHY, JUVENILE-ONSET; HARP SYNDROME; Neurodegeneration with brain iron accumulation 1. Identifiers: Orphanet 157850, MedGen C0018523, MONDO:0009319, OMIM 234200.

Submission:

Labcorp Genetics (formerly Invitae), Labcorp
Classification: Uncertain significance for Pigmentary pallidal degeneration. Last evaluated: 2020-12-10. Review status: criteria provided, single submitter. Criteria: Invitae Variant Classification Sherloc (09022015). Collection method: clinical testing. Allele origin: germline.
Comment: In summary, the available evidence is currently insufficient to determine the role of this variant in disease. Therefore, it has been classified as a Variant of Uncertain Significance. Algorithms developed to predict the effect of missense changes on protein structure and function (SIFT, PolyPhen-2, Align-GVGD) all suggest that this variant is likely to be disruptive, but these predictions have not been confirmed by published functional studies and their clinical significance is uncertain. This variant has been observed in individual(s) with clinical features of pantothenate kinase-associated neurodegeneration (PKAN) (Invitae). This variant is not present in population databases (ExAC no frequency). This sequence change replaces leucine with arginine at codon 421 of the PANK2 protein (p.Leu421Arg). The leucine residue is highly conserved and there is a moderate physicochemical difference between leucine and arginine.

NM_001386393.1(PANK2):c.932T>G (p.Leu311Arg)

Gene: PANK2 (pantothenate kinase 2; plus strand). Cytogenetic location: 20p13.
Variant type: single nucleotide variant.
Coding change: c.932T>G on transcript NM_001386393.1 (MANE Select); coding-DNA position 932, T replaced by G.
Protein change: p.Leu311Arg; replaces leucine 311 with arginine.
Molecular consequence: missense variant. On other transcripts: 5 prime UTR variant (1), non-coding transcript variant (1).
Genome position (GRCh38, 1-based): chr20:3,912,484, T>G. VCF-style: chr20-3912484-T-G. GRCh37 (hg19) VCF-style: chr20-3893131-T-G.
Other names: c.389T>G, p.Leu130Arg (NM_001324191.2, NM_024960.6, NM_153640.4); c.-47T>G (NM_001324193.2); c.1262T>G, p.Leu421Arg (NM_153638.4); short protein forms L421R, L130R, L311R.
Identifiers: ClinVar variation 1492772 (VCV001492772.8), dbSNP rs2146872437, ClinGen allele CA408117300.